The following is an entry in ClinVar:

ClinVar aggregate classification (germline): Likely pathogenic (1 of 4 stars; one submission).

Conditions:
Werner syndrome (WRN). Identifiers: Orphanet 902, MedGen C0043119, MONDO:0010196, OMIM 277700.

Submission:

Labcorp Genetics (formerly Invitae), Labcorp
Classification: Likely pathogenic for Werner syndrome. Last evaluated: 2024-02-06. Review status: criteria provided, single submitter. Criteria: Invitae Variant Classification Sherloc (09022015). Collection method: clinical testing. Allele origin: germline.
Comment: This sequence change affects a splice site in intron 20 of the WRN gene. RNA analysis indicates that disruption of this splice site induces altered splicing and may result in an absent or disrupted protein product. This variant is not present in population databases (gnomAD no frequency). Disruption of this splice site has been observed in individual(s) with clinical features of Werner syndrome (PMID: 9012406, 30140198). Studies have shown that disruption of this splice site results in skipping of exon 20 and introduces a premature termination codon (Invitae). The resulting mRNA is expected to undergo nonsense-mediated decay. In summary, the currently available evidence indicates that the variant is pathogenic, but additional data are needed to prove that conclusively. Therefore, this variant has been classified as Likely Pathogenic.

Literature cited by the submitters: PubMed 9012406; PubMed 30140198.

NM_000553.6(WRN):c.2448+1_2448+2insGCCGGGCGCGGTGGCTCACGCCTGTAATCCCAGCACTTTGGGAGGCCGAGGCGGGTGGATCATGAGGTCAGGAGATCGAGACCATCCTGGCTAACAAGGTGAAACCCCGTCTNNNNNNNNNNAAAAAAAAAAAAAAAAAAAAAAGAGATGAAATTCAGG

Gene: WRN (WRN RecQ like helicase; plus strand). Cytogenetic location: 8p12.
Variant type: Insertion.
Coding change: c.2448+1_2448+2insGCCGGGCGCGGTGGCTCACGCCTGTAATCCCAGCACTTTGGGAGGCCGAGGCGGGTGGATCATGAGGTCAGGAGATCGAGACCATCCTGGCTAACAAGGTGAAACCCCGTCTNNNNNNNNNNAAAAAAAAAAAAAAAAAAAAAAGAGATGAAATTCAGG on transcript NM_000553.6 (MANE Select); the canonical splice donor site of the intron after coding-DNA position 2448, GCCGGGCGCGGTGGCTCACGCCTGTAATCCCAGCACTTTGGGAGGCCGAGGCGGGTGGATCATGAGGTCAGGAGATCGAGACCATCCTGGCTAACAAGGTGAAACCCCGTCTNNNNNNNNNNAAAAAAAAAAAAAAAAAAAAAAGAGATGAAATTCAGG inserted.
Molecular consequence: splice donor variant.
Genome position: GRCh38: chr8:31,116,529-31,116,530. GRCh37 (hg19): chr8:30,974,045-30,974,046.
Identifiers: ClinVar variation 1505331 (VCV001505331.6), dbSNP rs2130306240.